The following is an entry in ClinVar:

NM_004656.4(BAP1):c.1250+4A>C

Gene: BAP1 (BRCA1 associated deubiquitinase 1; minus strand). Cytogenetic location: 3p21.1.
Variant type: single nucleotide variant.
Coding change: c.1250+4A>C on transcript NM_004656.4 (MANE Select); 4 bases into the intron after coding-DNA position 1250, A replaced by C.
Molecular consequence: intron variant.
Genome position (GRCh38, 1-based): chr3:52,404,449, T>G on the plus strand (A>C on the coding strand, the complement: BAP1 is on the minus strand). VCF-style: chr3-52404449-T-G. GRCh37 (hg19) VCF-style: chr3-52438465-T-G.
Other names: c.1196+4A>C (NM_001410772.1).
Identifiers: ClinVar variation 3370568 (VCV003370568.1).
Genomic context (GRCh38, chr3:52,404,449, plus strand): 5'-CTGAGATATTCAGGATGGGATCCGAAGCACCTAGAACCTGGTAGCCTTAGAAAGCTGGGC[T>G]GACCTAAGGGCAGAGTTGGTGTTCTGCACGTCATCCTCCTCGTCATCCTCATAGTCATCC-3'

ClinVar aggregate classification (germline): Uncertain significance (1 of 4 stars; one submission).

Submission:

GeneDx
Classification: Uncertain significance. Last evaluated: 2024-03-12. Review status: criteria provided, single submitter. Criteria: GeneDx Variant Classification Process June 2021. Collection method: clinical testing. Allele origin: germline. Affected: yes.
Comment: Not observed at significant frequency in large population cohorts (gnomAD); Has not been previously published as pathogenic or benign to our knowledge; In silico analysis suggests this variant may impact gene splicing. In the absence of RNA/functional studies, the actual effect of this sequence change is unknown.